The following is an entry in ClinVar:

ClinVar aggregate classification (germline): Pathogenic (1 of 4 stars; one submission).

Conditions:
Trimethylaminuria (TMAU). Also called: Primary Trimethylaminuria; Fish malodor syndrome; Stale fish syndrome; TMAuria; FISH-ODOR SYNDROME. Identifiers: MedGen C0342739, MONDO:0011182, OMIM 602079, HP:0003614. Disease mechanism: loss of function.

Allele frequency attached by ClinVar (database versions not stated): gnomAD exomes below 0.00001.
gnomAD v4.1: 2 of 1,614,144 alleles (0.00012%); highest among the groups gnomAD compares: East Asian, 0.0045%; no homozygotes.

Submission:

Women's Health and Genetics/Laboratory Corporation of America, LabCorp
Classification: Pathogenic for Trimethylaminuria. Last evaluated: 2023-09-08. Review status: criteria provided, single submitter. Criteria: LabCorp Variant Classification Summary - May 2015. Collection method: clinical testing. Allele origin: germline.
Comment: Variant summary: FMO3 c.1408C>T (p.Gln470X) results in a premature termination codon, and although nonsense mediated decay is not expected, it is predicted to cause a truncation of the encoded protein, a commonly known mechanism for disease. The variant was absent in 250946 control chromosomes (gnomAD). c.1408C>T has been reported in the literature in the compound heterozygous state in an individual affected with Trimethylaminuria (Shimizu_2007). At least one publication reports that the variant results in no detectable activity in vitro, although as it provides no primary data from which to corroborate this finding, it does not allow convincing conclusions about the variant effect (e.g. Yamazaki_2013). However, another functional study found that a different downstream truncation variant (p.Arg500X) showed no detectable functional activity toward typical FMO3 substrates and also reported this variant as a biallelic genotype in at least two affected patients (Yamazaki_2007). This suggests that the region downstream from the variant of interest (c.1408C>T, p.Gln470X) is important for protein function and disrupting this region is expected to result in disease. The following publications have been ascertained in the context of this evaluation (PMID: 17329912, 23567996, 16996766). No submitters have cited clinical-significance assessments for this variant to ClinVar after 2014. Based on the evidence outlined above, the variant was classified as pathogenic.

Literature cited by the submitters: PubMed 17329912; PubMed 23567996; PubMed 16996766.

NM_001002294.3(FMO3):c.1408C>T (p.Gln470Ter)

Gene: FMO3 (flavin containing dimethylaniline monoxygenase 3; plus strand). Cytogenetic location: 1q24.3.
Variant type: single nucleotide variant.
Coding change: c.1408C>T on transcript NM_001002294.3 (MANE Select); coding-DNA position 1408, C replaced by T.
Protein change: p.Gln470Ter; replaces glutamine 470 with a stop codon.
Molecular consequence: nonsense.
Genome position (GRCh38, 1-based): chr1:171,117,251, C>T. VCF-style: chr1-171117251-C-T. GRCh37 (hg19) VCF-style: chr1-171086391-C-T.
Other names: c.1348C>T, p.Gln450Ter (NM_001319173.2); c.1219C>T, p.Gln407Ter (NM_001319174.2); c.1408C>T, p.Gln470Ter (NM_006894.6); short protein forms Q407*, Q450*, Q470*.
Identifiers: ClinVar variation 2627164 (VCV002627164.1), dbSNP rs1656200306, ClinGen allele CA343170483.